The following is an entry in ClinVar:

ClinVar aggregate classification (germline): Uncertain significance (1 of 4 stars; one submission).

Submission:

GeneDx
Classification: Uncertain significance. Last evaluated: 2026-03-26. Review status: criteria provided, single submitter. Criteria: GeneDx Variant Classification Process June 2021. Collection method: clinical testing. Allele origin: germline.
Comment: Not observed at significant frequency in large population cohorts (gnomAD); In silico analysis supports that this missense variant has a deleterious effect on protein structure/function; Has not been previously published as pathogenic or benign to our knowledge

NM_052876.4(NACC1):c.208C>T (p.Pro70Ser)

Gene: NACC1 (nucleus accumbens associated 1; plus strand). Cytogenetic location: 19p13.13.
Variant type: single nucleotide variant.
Coding change: c.208C>T on transcript NM_052876.4 (MANE Select); coding-DNA position 208, C replaced by T.
Protein change: p.Pro70Ser; replaces proline 70 with serine.
Molecular consequence: missense variant.
Genome position (GRCh38, 1-based): chr19:13,135,415, C>T. VCF-style: chr19-13135415-C-T. GRCh37 (hg19) VCF-style: chr19-13246229-C-T.
Other names: short protein forms P70S.
Identifiers: ClinVar variation 5017610 (VCV005017610.1).